The following is an entry in ClinVar:

ClinVar aggregate classification (germline): Uncertain significance (1 of 4 stars; one submission).

Submission:

Labcorp Genetics (formerly Invitae), Labcorp
Classification: Uncertain significance. Last evaluated: 2024-11-21. Review status: criteria provided, single submitter. Criteria: Invitae Variant Classification Sherloc (09022015). Collection method: clinical testing. Allele origin: germline.
Comment: This sequence change replaces aspartic acid, which is acidic and polar, with asparagine, which is neutral and polar, at codon 503 of the LEMD3 protein (p.Asp503Asn). This variant is not present in population databases (gnomAD no frequency). This variant has not been reported in the literature in individuals affected with LEMD3-related conditions. Invitae Evidence Modeling of protein sequence and biophysical properties (such as structural, functional, and spatial information, amino acid conservation, physicochemical variation, residue mobility, and thermodynamic stability) indicates that this missense variant is not expected to disrupt LEMD3 protein function with a negative predictive value of 80%. In summary, the available evidence is currently insufficient to determine the role of this variant in disease. Therefore, it has been classified as a Variant of Uncertain Significance.

NM_014319.5(LEMD3):c.1507G>A (p.Asp503Asn)

Gene: LEMD3 (LEM domain containing 3; plus strand). Cytogenetic location: 12q14.3.
Variant type: single nucleotide variant.
Coding change: c.1507G>A on transcript NM_014319.5 (MANE Select); coding-DNA position 1507, G replaced by A.
Protein change: p.Asp503Asn; replaces aspartic acid 503 with asparagine.
Molecular consequence: missense variant.
Genome position (GRCh38, 1-based): chr12:65,171,103, G>A. VCF-style: chr12-65171103-G-A. GRCh37 (hg19) VCF-style: chr12-65564883-G-A.
Other names: c.1507G>A, p.Asp503Asn (NM_001167614.2); short protein forms D503N.
Identifiers: ClinVar variation 3707263 (VCV003707263.2).